The following is an entry in ClinVar:

NM_201384.3(PLEC):c.2359C>T (p.Arg787Trp)

Gene: PLEC (plectin; minus strand). Cytogenetic location: 8q24.3.
Variant type: single nucleotide variant.
Coding change: c.2359C>T on transcript NM_201384.3 (MANE Select); coding-DNA position 2359, C replaced by T.
Protein change: p.Arg787Trp; replaces arginine 787 with tryptophan.
Molecular consequence: missense variant.
Genome position (GRCh38, 1-based): chr8:143,930,482, G>A on the plus strand (C>T on the coding strand, the complement: PLEC is on the minus strand). VCF-style: chr8-143930482-G-A. GRCh37 (hg19) VCF-style: chr8-145004650-G-A.
Other names: c.2440C>T (NM_000445.3); c.2440C>T, p.Arg814Trp (NM_000445.5, NM_001410941.1); c.2317C>T, p.Arg773Trp (NM_201378.4); c.2293C>T, p.Arg765Trp (NM_201379.3); c.2770C>T, p.Arg924Trp (NM_201380.4); c.2263C>T, p.Arg755Trp (NM_201381.3); c.2359C>T, p.Arg787Trp (NM_201382.4); c.2371C>T, p.Arg791Trp (NM_201383.3); short protein forms R755W, R765W, R773W, R787W, R791W, R814W, R924W.
Identifiers: ClinVar variation 2416579 (VCV002416579.9), dbSNP rs782306099, ClinGen allele CA4927559.

ClinVar aggregate classification (germline): Uncertain significance. Review status: criteria provided, multiple submitters, no conflicts (2 of 4 stars). 2 submissions from 2 submitters: Uncertain significance (2). Last evaluated 2024-10-27.

Conditions:
Epidermolysis bullosa simplex 5B, with muscular dystrophy (EBS5B). Also called: Epidermolysis bullosa simplex with muscular dystrophy; EPIDERMOLYSIS BULLOSA SIMPLEX AND LIMB-GIRDLE MUSCULAR DYSTROPHY. Identifiers: Orphanet 257, MedGen C2931072, MONDO:0009181, OMIM 226670.
Epidermolysis bullosa simplex 5C, with pyloric atresia (EBS5C). Also called: PLEC-Related Epidermolysis Bullosa with Pyloric Atresia; Epidermolysis bullosa simplex with pyloric atresia; PLEC1-Related Epidermolysis Bullosa with Pyloric Atresia. Identifiers: Orphanet 158684, MedGen C2677349, MONDO:0012807, OMIM 612138.
Autosomal recessive limb-girdle muscular dystrophy type 2Q (LGMDR17). Also called: MUSCULAR DYSTROPHY, LIMB-GIRDLE, AUTOSOMAL RECESSIVE 17. Identifiers: Orphanet 254361, MedGen C3150989, MONDO:0013390, OMIM 613723.
Epidermolysis bullosa simplex with nail dystrophy (EBS5D). Identifiers: MedGen C4225309, MONDO:0014661, OMIM 616487.
Epidermolysis bullosa simplex, Ogna type (EBS5A). Also called: Pidermolysis bullosa simplex 5A, Ogna type; EPIDERMOLYSIS BULLOSA SIMPLEX 5A, OGNA TYPE. Identifiers: Orphanet 79401, MedGen C0432317, MONDO:0007555, OMIM 131950.
Inborn genetic diseases. Identifiers: MedGen C0950123, MeSH D030342.

Allele frequency attached by ClinVar (database versions not stated): gnomAD 0.00001; TOPMed 0.00001; ExAC 0.00005.
gnomAD v4.1: 39 of 1,593,408 alleles (0.0024%); highest among the groups gnomAD compares: Middle Eastern, 0.017%; no homozygotes.

Submissions (2):

Labcorp Genetics (formerly Invitae), Labcorp
Classification: Uncertain significance for Autosomal recessive limb-girdle muscular dystrophy type 2Q; Epidermolysis bullosa simplex, Ogna type; Epidermolysis bullosa simplex with nail dystrophy; Epidermolysis bullosa simplex 5C, with pyloric atresia; Epidermolysis bullosa simplex 5B, with muscular dystrophy. Last evaluated: 2024-10-27. Review status: criteria provided, single submitter. Criteria: Invitae Variant Classification Sherloc (09022015). Collection method: clinical testing. Allele origin: germline.
Comment: This sequence change replaces arginine, which is basic and polar, with tryptophan, which is neutral and slightly polar, at codon 814 of the PLEC protein (p.Arg814Trp). The frequency data for this variant in the population databases is considered unreliable, as metrics indicate poor data quality at this position in the gnomAD database. This variant has not been reported in the literature in individuals affected with PLEC-related conditions. ClinVar contains an entry for this variant (Variation ID: 2416579). Invitae Evidence Modeling of protein sequence and biophysical properties (such as structural, functional, and spatial information, amino acid conservation, physicochemical variation, residue mobility, and thermodynamic stability) indicates that this missense variant is not expected to disrupt PLEC protein function with a negative predictive value of 80%. In summary, the available evidence is currently insufficient to determine the role of this variant in disease. Therefore, it has been classified as a Variant of Uncertain Significance.

Ambry Genetics
Classification: Uncertain significance for Inborn genetic diseases. Last evaluated: 2024-10-12. Review status: criteria provided, single submitter. Criteria: Ambry Variant Classification Scheme 2023. Collection method: clinical testing. Allele origin: germline.